The following is an entry in ClinVar:

ClinVar aggregate classification (germline): Uncertain significance (1 of 4 stars; one submission).

gnomAD v4.1: 1 of 1,614,152 alleles (0.000062%); highest among the groups gnomAD compares: Non-Finnish European, 0.000085%; no homozygotes.

Submission:

Labcorp Genetics (formerly Invitae), Labcorp
Classification: Uncertain significance. Last evaluated: 2022-10-25. Review status: criteria provided, single submitter. Criteria: Invitae Variant Classification Sherloc (09022015). Collection method: clinical testing. Allele origin: germline.
Comment: In summary, the available evidence is currently insufficient to determine the role of this variant in disease. Therefore, it has been classified as a Variant of Uncertain Significance. Algorithms developed to predict the effect of missense changes on protein structure and function are either unavailable or do not agree on the potential impact of this missense change (SIFT: "Deleterious"; PolyPhen-2: "Benign"; Align-GVGD: "Class C15"). This variant has not been reported in the literature in individuals affected with GLIS3-related conditions. This variant is not present in population databases (gnomAD no frequency). This sequence change replaces histidine, which is basic and polar, with glutamine, which is neutral and polar, at codon 593 of the GLIS3 protein (p.His593Gln).

NM_001042413.2(GLIS3):c.2244C>A (p.His748Gln)

Gene: GLIS3 (GLIS family zinc finger 3; minus strand). Cytogenetic location: 9p24.2.
Variant type: single nucleotide variant.
Coding change: c.2244C>A on transcript NM_001042413.2 (MANE Select); coding-DNA position 2244, C replaced by A.
Protein change: p.His748Gln; replaces histidine 748 with glutamine.
Molecular consequence: missense variant.
Genome position (GRCh38, 1-based): chr9:3,879,480, G>T on the plus strand (C>A on the coding strand, the complement: GLIS3 is on the minus strand). VCF-style: chr9-3879480-G-T. GRCh37 (hg19) VCF-style: chr9-3879480-G-T.
Other names: c.1779C>A, p.His593Gln (NM_152629.4); short protein forms H593Q, H748Q.
Identifiers: ClinVar variation 2104421 (VCV002104421.4), dbSNP rs753642886, ClinGen allele CA372804698.